The following is an entry in ClinVar:

ClinVar aggregate classification (germline): Likely pathogenic (1 of 4 stars; one submission).

Submission:

GeneDx
Classification: Likely pathogenic. Last evaluated: 2026-04-14. Review status: criteria provided, single submitter. Criteria: GeneDx Variant Classification Process June 2021. Collection method: clinical testing. Allele origin: germline.
Comment: Not observed at significant frequency in large population cohorts (gnomAD); Has not been previously published as pathogenic or benign to our knowledge; Nonsense variant predicted to result in protein truncation or nonsense mediated decay in a gene for which loss of function is a known mechanism of disease

NM_001376.5(DYNC1H1):c.13433G>A (p.Trp4478Ter)

Gene: DYNC1H1 (dynein cytoplasmic 1 heavy chain 1; plus strand). Cytogenetic location: 14q32.31.
Variant type: single nucleotide variant.
Coding change: c.13433G>A on transcript NM_001376.5 (MANE Select); coding-DNA position 13433, G replaced by A.
Protein change: p.Trp4478Ter; replaces tryptophan 4478 with a stop codon.
Molecular consequence: nonsense.
Genome position (GRCh38, 1-based): chr14:102,049,500, G>A. VCF-style: chr14-102049500-G-A. GRCh37 (hg19) VCF-style: chr14-102515837-G-A.
Other names: short protein forms W4478*.
Identifiers: ClinVar variation 3602994 (VCV003602994.2).